The following is an entry in ClinVar:

NM_007294.4(BRCA1):c.441+6_441+49del

Gene: BRCA1 (BRCA1 DNA repair associated; minus strand). Cytogenetic location: 17q21.31.
Variant type: Deletion.
Coding change: c.441+6_441+49del on transcript NM_007294.4 (MANE Select); bases 6 to 49 of the intron after coding-DNA position 441, 44 bases deleted.
Molecular consequence: intron variant.
Genome position (GRCh38, 1-based): chr17:43,104,073-43,104,116, 44 bases deleted. GRCh37 (hg19): chr17:41,256,090-41,256,133.
Other names: c.300+6_300+49del (NM_001408458.1, NM_001407931.1, NM_001407747.1 and 99 more transcripts); c.-218-9256_-218-9213del (NM_001407967.1, NM_001407966.1); c.60+6_60+49del (NM_001407959.1, NM_001407962.1, NM_001408512.1 and 4 more transcripts); c.231+6_231+49del (NM_001407885.1, NM_001407886.1, NM_001407898.1 and 58 more transcripts); c.441+6_441+49del (NM_001407686.1, NM_001408397.1, NM_001407632.1 and 164 more transcripts); c.309+6_309+49del (NM_001408451.1); c.363+6_363+49del (NM_001408475.1, NM_001407875.1, NM_001407659.1 and 21 more transcripts); c.432+6_432+49del (NM_001408408.1, NM_001407647.1, NM_001407646.1).
Identifiers: ClinVar variation 1050116 (VCV001050116.2), dbSNP rs2154548237, ClinGen allele CA2499224607.

ClinVar aggregate classification (germline): Benign (0 of 4 stars; one submission).

Conditions:
Breast-ovarian cancer, familial, susceptibility to, 1 (BROVCA1). Also called: BRCA1 Hereditary Breast and Ovarian Cancer; OVARIAN CANCER, SUSCEPTIBILITY TO. Identifiers: Orphanet 145, MedGen C2676676, MONDO:0011450, OMIM 604370. Disease mechanism: loss of function.

Submission:

Department of Pathology and Laboratory Medicine, Sinai Health System
Classification: Benign for Breast-ovarian cancer, familial, susceptibility to, 1. Review status: no assertion criteria provided. Collection method: clinical testing. Allele origin: unknown. Affected: yes. Study: The Canadian Open Genetics Repository (COGR).
Comment: The BRCA1 c.441+36_441+49del variant was not identified in the literature and has not been previously identified in our laboratory. The variant was identified in the UMD 26X as a neutral variant, where it was listed in co-occurrence with three different pathogenic BRCA1 variants and one pathogenic BRCA2 variant, increasing the likelihood that the c.441+36_441+49del variant does not have clinical significance. The variant was not identified in any other databases searched, including HGMD, Clinvar, COSMIC, and LOVD. The BRCA1 c.441+36_441+49del variant occurs outside of the splicing consensus sequence and in silico or computational prediction software programs (SpliceSiteFinder, MaxEntScan, NNSPLICE, GeneSplicer, HumanSpliceFinder) do not predict a difference in splicing. In summary, based on the above information, this variant meets our laboratory's criteria to be classified as benign